The following is an entry in ClinVar:

NM_001277115.2(DNAH11):c.1700C>G (p.Ala567Gly)

Gene: DNAH11 (dynein axonemal heavy chain 11; plus strand). Cytogenetic location: 7p15.3.
Variant type: single nucleotide variant.
Coding change: c.1700C>G on transcript NM_001277115.2 (MANE Select); coding-DNA position 1700, C replaced by G.
Protein change: p.Ala567Gly; replaces alanine 567 with glycine.
Molecular consequence: missense variant.
Genome position (GRCh38, 1-based): chr7:21,582,011, C>G. VCF-style: chr7-21582011-C-G. GRCh37 (hg19) VCF-style: chr7-21621629-C-G.
Other names: short protein forms A567G.
Identifiers: ClinVar variation 410830 (VCV000410830.12), dbSNP rs545970834, ClinGen allele CA4179063.

ClinVar aggregate classification (germline): Conflicting classifications of pathogenicity. Review status: criteria provided, conflicting classifications (1 of 4 stars). 4 submissions from 4 submitters: Uncertain significance (3); Likely benign (1). Last evaluated 2026-08-21.

Conditions:
DNAH11-related disorder. Also called: DNAH11-related condition.
Primary ciliary dyskinesia. Also called: Ciliary dyskinesia. Identifiers: Orphanet 244, MedGen C0008780, MONDO:0016575, HP:0012265.

Allele frequency attached by ClinVar (database versions not stated): gnomAD 0.00004 and 0.00005; TOPMed 0.00012; gnomAD exomes 0.00019; ExAC 0.00022; 1000 Genomes Project 0.00040; 1000 Genomes Project 30x 0.00062.
gnomAD v4.1: 67 of 1,607,338 alleles (0.0042%); highest among the groups gnomAD compares: Admixed American, 0.11%; no homozygotes.

Submissions (4):

PreventionGenetics, part of Exact Sciences
Classification: Uncertain significance for DNAH11-related condition. Last evaluated: 2026-08-21. Review status: criteria provided, single submitter. Criteria: ACMG Guidelines, 2015. Collection method: clinical testing. Allele origin: germline.
Comment: The DNAH11 c.1700C>G variant is predicted to result in the amino acid substitution p.Ala567Gly. To our knowledge, this variant has not been reported in the literature. This variant is reported in 0.14% of alleles in individuals of Latino descent in gnomAD, which may be too common to be a primary cause of disease. Although we suspect that this variant may be benign, at this time, the clinical significance of this variant is uncertain due to the absence of conclusive functional and genetic evidence.

Labcorp Genetics (formerly Invitae), Labcorp
Classification: Likely benign for Primary ciliary dyskinesia. Last evaluated: 2025-11-19. Review status: criteria provided, single submitter. Criteria: Invitae Variant Classification Sherloc (09022015). Collection method: clinical testing. Allele origin: germline.

GeneDx
Classification: Uncertain significance. Last evaluated: 2023-02-04. Review status: criteria provided, single submitter. Criteria: GeneDx Variant Classification Process June 2021. Collection method: clinical testing. Allele origin: germline. Affected: yes.
Comment: In silico analysis supports that this missense variant does not alter protein structure/function; Has not been previously published as pathogenic or benign to our knowledge

Ambry Genetics
Classification: Uncertain significance for Primary ciliary dyskinesia. Last evaluated: 2016-08-19. Review status: criteria provided, single submitter. Criteria: Ambry Variant Classification Scheme 2023. Collection method: clinical testing. Allele origin: germline.
Comment: The p.A567G variant (also known as c.1700C>G), located in coding exon 9 of the DNAH11 gene, results from a C to G substitution at nucleotide position 1700. The alanine at codon 567 is replaced by glycine, an amino acid with similar properties. This variant was not reported in population based cohorts in the following databases: Database of Single Nucleotide Polymorphisms (dbSNP), NHLBI Exome Sequencing Project (ESP), and 1000 Genomes Project. In the ESP, this variant was not observed in 5883 samples (11766 alleles) with coverage at this position. In the ExAC database, this variant was reported in 0.025% (26/105090) total alleles studied (TCGA excluded). This amino acid position is not well conserved in available vertebrate species. In addition, this alteration is predicted to be tolerated by in silico analysis. Since supporting evidence is limited at this time, the clinical significance of this variant remains unclear.